The following is an entry in ClinVar:

NM_152701.5(ABCA13):c.2378T>G (p.Leu793Arg)

Gene: ABCA13 (ATP binding cassette subfamily A member 13; plus strand). Cytogenetic location: 7p12.3.
Variant type: single nucleotide variant.
Coding change: c.2378T>G on transcript NM_152701.5 (MANE Select); coding-DNA position 2378, T replaced by G.
Protein change: p.Leu793Arg; replaces leucine 793 with arginine.
Molecular consequence: missense variant.
Genome position (GRCh38, 1-based): chr7:48,272,044, T>G. VCF-style: chr7-48272044-T-G. GRCh37 (hg19) VCF-style: chr7-48311641-T-G.
Other names: short protein forms L793R.
Identifiers: ClinVar variation 3045142 (VCV003045142.2), dbSNP rs779606645, ClinGen allele CA4256667.
Genomic context (GRCh38, chr7:48,272,044, plus strand): 5'-TGTGGACAAATCATTTAAAAAGTTTAAAGAGAGACCCATCTGCCACTGATGCTCAGAAAC[T>G]CTTGGAATTTGGCAACGAAGTGATTTGGAAAATGCAGACTCTCGGAAGTCACTGGATAAG-3'
Protein context (NP_689914.3, residues 783-803): RDPSATDAQK[Leu793Arg]LEFGNEVIWK

ClinVar aggregate classification (germline): Likely benign (0 of 4 stars; one submission).

Conditions:
ABCA13-related disorder. Also called: ABCA13-related condition.

Allele frequency attached by ClinVar (database versions not stated): gnomAD 0.00009; gnomAD exomes 0.00012; TOPMed 0.00033; ExAC 0.00040.
gnomAD v4.1: 179 of 1,613,634 alleles (0.011%); highest among the groups gnomAD compares: Admixed American, 0.3%; 1 homozygote.

Submission:

PreventionGenetics, part of Exact Sciences
Classification: Likely benign for ABCA13-related condition. Last evaluated: 2023-04-09. Review status: no assertion criteria provided. Collection method: clinical testing. Allele origin: germline.
Comment: This variant is classified as likely benign based on ACMG/AMP sequence variant interpretation guidelines (Richards et al. 2015 PMID: 25741868, with internal and published modifications).